The following is an entry in ClinVar:

ClinVar aggregate classification (germline): Likely benign. Review status: criteria provided, single submitter (1 of 4 stars). 2 submissions from 2 submitters: Likely benign (1). 1 of the submissions does not count toward it. Last evaluated 2025-07-27.

Conditions:
APC2-related disorder. Also called: APC2-related condition; APC2-Related Disorders.

Allele frequency attached by ClinVar (database versions not stated): ExAC 0.00002; gnomAD exomes 0.00002; gnomAD 0.00003; TOPMed 0.00003.
gnomAD v4.1: 41 of 1,612,998 alleles (0.0025%); highest among the groups gnomAD compares: South Asian, 0.0055%; no homozygotes.

Submissions (2):

Labcorp Genetics (formerly Invitae), Labcorp
Classification: Likely benign. Last evaluated: 2025-07-27. Review status: criteria provided, single submitter. Criteria: Invitae Variant Classification Sherloc (09022015). Collection method: clinical testing. Allele origin: germline.

PreventionGenetics, part of Exact Sciences
Classification: Likely benign for APC2-related condition. Last evaluated: 2019-08-14. Review status: no assertion criteria provided. Collection method: clinical testing. Allele origin: germline. Not counted in ClinVar's aggregate classification.
Comment: This variant is classified as likely benign based on ACMG/AMP sequence variant interpretation guidelines (Richards et al. 2015 PMID: 25741868, with internal and published modifications).

NM_005883.3(APC2):c.1593G>A (p.Ala531=)

Gene: APC2 (APC regulator of Wnt signaling pathway 2; plus strand). Cytogenetic location: 19p13.3.
Variant type: single nucleotide variant.
Coding change: c.1593G>A on transcript NM_005883.3 (MANE Select); coding-DNA position 1593, G replaced by A.
Protein change: p.Ala531=; no amino-acid change (alanine 531 retained).
Molecular consequence: synonymous variant.
Genome position (GRCh38, 1-based): chr19:1,461,108, G>A. VCF-style: chr19-1461108-G-A. GRCh37 (hg19) VCF-style: chr19-1461107-G-A.
Other names: c.1590G>A, p.Ala530= (NM_001351273.1).
Identifiers: ClinVar variation 3052969 (VCV003052969.3), dbSNP rs760400612, ClinGen allele CA9045168.